The following is an entry in ClinVar:

ClinVar aggregate classification (germline): Uncertain significance. Review status: criteria provided, multiple submitters, no conflicts (2 of 4 stars). 2 submissions from 2 submitters: Uncertain significance (2). Last evaluated 2024-02-04.

Conditions:
Hereditary cancer-predisposing syndrome. Also called: Tumor predisposition; Hereditary neoplastic syndrome; Neoplastic Syndromes, Hereditary; Hereditary Cancer Syndrome. Identifiers: Orphanet 140162, MedGen C0027672, MeSH D009386, MONDO:0015356.
Hereditary breast ovarian cancer syndrome. Also called: Hereditary breast and ovarian cancer syndrome (HBOC); Breast and ovarian cancer; BRCA1- and BRCA2-Associated Hereditary Breast and Ovarian Cancer; Hereditary breast and/or ovarian cancer syndrome; Hereditary breast and ovarian cancer syndrome; Hereditary breast and ovarian cancer. Identifiers: Orphanet 145, MedGen C0677776, MeSH D061325, MONDO:0003582. Disease mechanism: loss of function.

Submissions (2):

Labcorp Genetics (formerly Invitae), Labcorp
Classification: Uncertain significance for Hereditary breast ovarian cancer syndrome. Last evaluated: 2024-02-04. Review status: criteria provided, single submitter. Criteria: Invitae Variant Classification Sherloc (09022015). Collection method: clinical testing. Allele origin: germline.
Comment: This sequence change replaces glutamine, which is neutral and polar, with histidine, which is basic and polar, at codon 3394 of the BRCA2 protein (p.Gln3394His). This variant is not present in population databases (gnomAD no frequency). This variant has not been reported in the literature in individuals affected with BRCA2-related conditions. ClinVar contains an entry for this variant (Variation ID: 818270). Advanced modeling of protein sequence and biophysical properties (such as structural, functional, and spatial information, amino acid conservation, physicochemical variation, residue mobility, and thermodynamic stability) performed at Invitae indicates that this missense variant is not expected to disrupt BRCA2 protein function with a negative predictive value of 95%. In summary, the available evidence is currently insufficient to determine the role of this variant in disease. Therefore, it has been classified as a Variant of Uncertain Significance.

Ambry Genetics
Classification: Uncertain significance for Hereditary cancer-predisposing syndrome. Last evaluated: 2018-09-15. Review status: criteria provided, single submitter. Criteria: Ambry Variant Classification Scheme 2023. Collection method: clinical testing. Allele origin: germline.
Comment: The p.Q3394H variant (also known as c.10182G>T), located in coding exon 26 of the BRCA2 gene, results from a G to T substitution at nucleotide position 10182. The glutamine at codon 3394 is replaced by histidine, an amino acid with highly similar properties. This amino acid position is poorly conserved in available vertebrate species. In addition, this alteration is predicted to be tolerated by in silico analysis. Since supporting evidence is limited at this time, the clinical significance of this alteration remains unclear.

NM_000059.4(BRCA2):c.10182G>T (p.Gln3394His)

Gene: BRCA2 (BRCA2 DNA repair associated; plus strand). Cytogenetic location: 13q13.1.
Variant type: single nucleotide variant.
Coding change: c.10182G>T on transcript NM_000059.4 (MANE Select); coding-DNA position 10182, G replaced by T.
Protein change: p.Gln3394His; replaces glutamine 3394 with histidine.
Molecular consequence: missense variant.
Genome position (GRCh38, 1-based): chr13:32,398,695, G>T. VCF-style: chr13-32398695-G-T. GRCh37 (hg19) VCF-style: chr13-32972832-G-T.
Other names: short protein forms Q3394H.
Identifiers: ClinVar variation 818270 (VCV000818270.6), dbSNP rs1593202437, ClinGen allele CA387768310.